The following is an entry in ClinVar:

NM_000372.5(TYR):c.1117A>G (p.Thr373Ala)

Gene: TYR (tyrosinase; plus strand). Cytogenetic location: 11q14.3.
Variant type: single nucleotide variant.
Coding change: c.1117A>G on transcript NM_000372.5 (MANE Select); coding-DNA position 1117, A replaced by G.
Protein change: p.Thr373Ala; replaces threonine 373 with alanine.
Molecular consequence: missense variant.
Genome position (GRCh38, 1-based): chr11:89,227,903, A>G. VCF-style: chr11-89227903-A-G. GRCh37 (hg19) VCF-style: chr11-88961071-A-G.
Other names: short protein forms T373A.
Identifiers: ClinVar variation 4077112 (VCV004077112.2).

ClinVar aggregate classification (germline): Conflicting classifications of pathogenicity. Review status: criteria provided, conflicting classifications (1 of 4 stars). 2 submissions from 2 submitters: Likely pathogenic (1); Uncertain significance (1). Last evaluated 2026-05-27.

Conditions:
Oculocutaneous albinism type 1A (OCA1A). Also called: Albinism, oculocutaneous, type IA. Identifiers: Orphanet 352731, Orphanet 79431, MedGen C4551504, MONDO:0008745, OMIM 203100. Disease mechanism: loss of function.
Oculocutaneous albinism type 1B (OCA1B). Also called: ALBINISM, OCULOCUTANEOUS, TYPE IB; ALBINISM, YELLOW MUTANT TYPE; YELLOW ALBINISM. Identifiers: Orphanet 352731, Orphanet 352737, Orphanet 79434, MedGen C1847024, MONDO:0011749, OMIM 606952.
Oculocutaneous albinism type 1. Also called: Albinism 1; ALBINISM I. Identifiers: Orphanet 352731, MedGen C0268494, MONDO:0018135. Disease mechanism: loss of function.

gnomAD v4.1: 2 of 1,613,576 alleles (0.00012%); highest among the groups gnomAD compares: Non-Finnish European, 0.000085%; no homozygotes.

Submissions (2):

Myriad Genetics, Inc.
Classification: Uncertain significance for Oculocutaneous albinism type 1. Last evaluated: 2026-05-27. Review status: criteria provided, single submitter. Criteria: Myriad Autosomal Dominant, Autosomal Recessive and X-Linked Classification Criteria (2023). Collection method: clinical testing. Allele origin: unknown.
Comment: NM_000372.4(TYR):c.1117A>G(T373A) is a missense variant classified as a variant of uncertain significance in the context of oculocutaneous albinism, TYR-related. T373A has been observed in cases with relevant disease (PMID: 29345414, 41428507). Relevant functional assessments of this variant are not available in the literature. T373A has been observed in referenced population frequency databases. In summary, there is insufficient evidence to classify NM_000372.4(TYR):c.1117A>G(T373A) as pathogenic or benign. Please note: this variant was assessed in the context of healthy population screening.

Laboratory of Genetic Epidemiology, Research Centre for Medical Genetics
Classification: Likely pathogenic for Oculocutaneous albinism type 1A; Oculocutaneous albinism type 1B. Last evaluated: 2025-01-01. Review status: criteria provided, single submitter. Criteria: ACMG Guidelines, 2015. Collection method: clinical testing. Allele origin: paternal. Inheritance: Autosomal recessive inheritance. Affected: yes. Observed: 1 compound heterozygote.
Comment: The missense variant NM_000372.5:c.1117A>G, p.(Thr373Ala) was identified in heterozygous state in three probands diagnosed with albinism, in compound heterozygous in one proband. This variant has been previously reported in the literature (PMID: 29345414) and is listed in gnomAD v3.1.2 with allele frequency 0.00001 in Europe (1/68016). The affected amino acid position is evolutionarily conserved and located nearby the important amino acids (His367 - the copper binding site and Asn371 - the N-glycosylation site) (PMID: 12028580). Multiple in silico prediction tools support a deleterious effect. Another pathogenic missense variant at this position NM_000372.5:c.1118C>A, p.(Thr373Lys) has been reported. Taken together, the variant meets the following ACMG/AMP criteria and can be classified as likely pathogenic with PS4, PM2, PM1 criteria.

Literature cited by the submitters: PubMed 29345414 (cited by Myriad Genetics, Inc. and Laboratory of Genetic Epidemiology, Research Centre for Medical Genetics); PubMed 41428507 (cited by Myriad Genetics, Inc. and Laboratory of Genetic Epidemiology, Research Centre for Medical Genetics); PubMed 12028580 (cited by Laboratory of Genetic Epidemiology, Research Centre for Medical Genetics).